The following is an entry in ClinVar:

ClinVar aggregate classification (germline): Uncertain significance. Review status: criteria provided, multiple submitters, no conflicts (2 of 4 stars). 3 submissions from 3 submitters: Uncertain significance (3). Last evaluated 2026-06-30.

Conditions:
Hajdu-Cheney syndrome (HJCYS). Also called: Acroosteolysis dominant type; SERPENTINE FIBULA-POLYCYSTIC KIDNEY SYNDROME; ACROOSTEOLYSIS WITH OSTEOPOROSIS AND CHANGES IN SKULL AND MANDIBLE. Identifiers: Orphanet 955, MedGen C0917715, MONDO:0007057, OMIM 102500.
NOTCH2-related disorder. Also called: NOTCH2-related condition.

gnomAD v4.1: 3 of 1,613,780 alleles (0.00019%); highest among the groups gnomAD compares: South Asian, 0.0011%; no homozygotes.

Submissions (3):

PreventionGenetics, part of Exact Sciences
Classification: Uncertain significance for NOTCH2-related condition. Last evaluated: 2026-06-30. Review status: criteria provided, single submitter. Criteria: ACMG Guidelines, 2015. Collection method: clinical testing. Allele origin: germline.
Comment: The NOTCH2 c.820G>A variant is predicted to result in the amino acid substitution p.Val274Ile. To our knowledge, this variant has not been reported in the literature. This variant is reported in 0.0% of alleles in individuals of African descent in gnomAD. At this time, the clinical significance of this variant is uncertain due to the absence of conclusive functional and genetic evidence.

Labcorp Genetics (formerly Invitae), Labcorp
Classification: Uncertain significance for Hajdu-Cheney syndrome. Last evaluated: 2025-05-19. Review status: criteria provided, single submitter. Criteria: Invitae Variant Classification Sherloc (09022015). Collection method: clinical testing. Allele origin: germline.
Comment: This sequence change replaces valine, which is neutral and non-polar, with isoleucine, which is neutral and non-polar, at codon 274 of the NOTCH2 protein (p.Val274Ile). This variant is not present in population databases (gnomAD no frequency). This variant has not been reported in the literature in individuals affected with NOTCH2-related conditions. ClinVar contains an entry for this variant (Variation ID: 1986906). Invitae Evidence Modeling of protein sequence and biophysical properties (such as structural, functional, and spatial information, amino acid conservation, physicochemical variation, residue mobility, and thermodynamic stability) indicates that this missense variant is not expected to disrupt NOTCH2 protein function with a negative predictive value of 95%. In summary, the available evidence is currently insufficient to determine the role of this variant in disease. Therefore, it has been classified as a Variant of Uncertain Significance.

GeneDx
Classification: Uncertain significance. Last evaluated: 2022-12-20. Review status: criteria provided, single submitter. Criteria: GeneDx Variant Classification Process June 2021. Collection method: clinical testing. Allele origin: germline. Affected: yes.
Comment: Has not been previously published as a pathogenic or benign germline variant to our knowledge; Not observed at significant frequency in large population cohorts (gnomAD); In silico analysis supports that this missense variant does not alter protein structure/function; This variant is associated with the following publications: (PMID: 34951714)

NM_024408.4(NOTCH2):c.820G>A (p.Val274Ile)

Gene: NOTCH2 (notch receptor 2; minus strand). Cytogenetic location: 1p12.
Variant type: single nucleotide variant.
Coding change: c.820G>A on transcript NM_024408.4 (MANE Select); coding-DNA position 820, G replaced by A.
Protein change: p.Val274Ile; replaces valine 274 with isoleucine.
Molecular consequence: missense variant.
Genome position (GRCh38, 1-based): chr1:119,987,014, C>T on the plus strand (G>A on the coding strand, the complement: NOTCH2 is on the minus strand). VCF-style: chr1-119987014-C-T. GRCh37 (hg19) VCF-style: chr1-120529637-C-T.
Other names: c.820G>A (NM_024408.3); c.820G>A, p.Val274Ile (NM_001200001.2); short protein forms V274I.
Identifiers: ClinVar variation 1986906 (VCV001986906.6), dbSNP rs1553202300, ClinGen allele CA341887603.
Genomic context (GRCh38, chr1:119,987,014, plus strand): 5'-ACATACCTGTCCATTGTGGGGGACAGCGGCAGTTGTAAGTGTTGACCCCATCCACACAAA[C>T]CCCTCCATTCTGACACCTGTGGTTAGGGCAGTCATCAATATTCCTCTCACAGGTGCTCCC-3'
Protein context (NP_077719.2, residues 264-284): CPNHRCQNGG[Val274Ile]CVDGVNTYNC